The following is an entry in ClinVar:

ClinVar aggregate classification (germline): Pathogenic/Likely pathogenic. Review status: criteria provided, multiple submitters, no conflicts (2 of 4 stars). 11 submissions from 11 submitters: Pathogenic (8); Likely pathogenic (1). 2 of the submissions do not count toward it. Last evaluated 2026-05-19.

Conditions:
COL3A1-related disorder. Also called: COL3A1-related condition.
Familial thoracic aortic aneurysm and aortic dissection (TAAD). Also called: Thoracic aortic aneurysms and dissections. Identifiers: Orphanet 91387, MedGen C4707243, MONDO:0019625.
Ehlers-Danlos syndrome, type 4 (EDSVASC). Also called: Ehlers-Danlos syndrome vascular type; Ehlers Danlos syndrome, ecchymotic type; Ehlers Danlos syndrome, arterial type; Ehlers Danlos syndrome, Sack-Barabas type; Ehlers-Danlos Syndrome Type IV. Identifiers: Orphanet 286, MedGen C0268338, MONDO:0017314, OMIM 130050.

Submissions 1 to 6 of 11:

Women's Health and Genetics/Laboratory Corporation of America, LabCorp
Classification: Pathogenic for Ehlers-Danlos syndrome, type 4. Last evaluated: 2026-05-19. Review status: criteria provided, single submitter. Criteria: LabCorp Variant Classification Summary - May 2015. Collection method: clinical testing. Allele origin: germline.
Comment: Variant summary: COL3A1 c.2356G>A (p.Gly786Arg) results in a non-conservative amino acid change in the encoded protein sequence. Algorithms developed to predict the effect of missense changes on protein structure and function all suggest that this variant is likely to be disruptive. This variant disrupts the triple helix domain of COL3A1. Glycine residues within the Gly-Xaa-Yaa repeats of the triple helix domain are required for the structure and stability of fibrillar collagens (PMID: 7695699, 8218237, 19344236). The variant was absent in 251464 control chromosomes (gnomAD). c.2356G>A has been observed in individuals affected with clinical features of Ehlers-Danlos Syndrome (Kontusaari_1990, Kerwin_2008, Morissette_2014). These data indicate that the variant is likely to be associated with disease. To our knowledge, no experimental evidence demonstrating an impact on protein function has been reported. The following publications have been ascertained in the context of this evaluation (PMID: 18043893, 2243125, 24399159). ClinVar contains an entry for this variant (Variation ID: 17200). Based on the evidence outlined above, the variant was classified as pathogenic for Ehlers-Danlos Syndrome, Vascular Type and Polymicrogyria with or without vascular-type Ehlers-Danlos syndrome.

Variantyx, Inc.
Classification: Pathogenic for Ehlers-Danlos syndrome, type 4. Last evaluated: 2025-12-12. Review status: criteria provided, single submitter. Criteria: Variantyx Assertion Criteria 2022. Collection method: clinical testing. Allele origin: germline. Inheritance: Autosomal dominant inheritance. Affected: yes.
Comment: This is a nonsynonymous variant in the COL3A1 gene (OMIM: 120180). Pathogenic variants in this gene have been associated with autosomal dominant vascular-type Ehlers-Danlos syndrome. It leads to a glycine substitution in the repetitive Gly-X-Y sequence of the triple helix domain (amino acids 168-1196) of the COL3A1 protein, which is a known mechanism in many collagenopathies (PMID: 25776230, 25758994, 30474650) (PM1_Strong). Multiple computational algorithms predict a deleterious effect for this variant (REVEL score: 0.995) (PP3). This variant has been reported in several unrelated affected individuals (PMID: 18043893, 30474650, 36189931) (PS4), while it is absent from control populations (PM2). Based on the current evidence, this variant is classified as pathogenic for autosomal dominant vascular-type Ehlers-Danlos syndrome.

Labcorp Genetics (formerly Invitae), Labcorp
Classification: Pathogenic for Ehlers-Danlos syndrome, type 4. Last evaluated: 2025-09-06. Review status: criteria provided, single submitter. Criteria: Invitae Variant Classification Sherloc (09022015). Collection method: clinical testing. Allele origin: germline.
Comment: This sequence change replaces glycine, which is neutral and non-polar, with arginine, which is basic and polar, at codon 786 of the COL3A1 protein (p.Gly786Arg). This variant is not present in population databases (gnomAD no frequency). This missense change has been observed in individuals with vascular Ehlers-Danlos syndrome (PMID: 2243125, 18043893, 24399159, 24650746, 30474650, 31126764). It has also been observed to segregate with disease in related individuals. This variant is also known as p.Gly619Arg. ClinVar contains an entry for this variant (Variation ID: 17200). Invitae Evidence Modeling of protein sequence and biophysical properties (such as structural, functional, and spatial information, amino acid conservation, physicochemical variation, residue mobility, and thermodynamic stability) indicates that this missense variant is expected to disrupt COL3A1 protein function with a positive predictive value of 95%. This variant disrupts the triple helix domain of COL3A1. Glycine residues within the Gly-Xaa-Yaa repeats of the triple helix domain are required for the structure and stability of fibrillar collagens (PMID: 7695699, 8218237, 19344236). In COL3A1, variants that affect these glycine residues are significantly enriched in individuals with disease (PMID: 24922459, 25758994) compared to the general population (ExAC). For these reasons, this variant has been classified as Pathogenic.

Color Diagnostics, LLC DBA Color Health
Classification: Pathogenic for Familial thoracic aortic aneurysm and aortic dissection. Last evaluated: 2024-11-05. Review status: criteria provided, single submitter. Criteria: ACMG Guidelines, 2015. Collection method: clinical testing. Allele origin: germline.
Comment: This variant changes one of the conserved glycine residues within the Gly-Xaa-Yaa repeat motifs of the triple helical domain of the COL3A1 protein. Although functional studies have not been reported for this variant, conserved glycine residues within the Gly-Xaa-Yaa repeats are required for the structural stability of fibrillar collagens (PMID: 7695699, 8218237, 19344236) and missense variants occurring at these glycine residues have been associated with disease (PMID: 24922459, 25758994). Computational prediction suggests that this variant may have deleterious impact on protein structure and function. This variant has been reported in multiple unrelated individuals affected with vascular Ehlers Danlos syndrome (PMID: 18043893, 24399159, 24650746, 30474650, 31126764, 36977837, 37068529, 37655064). It has been shown that this variant segregates with disease in multiple affected individuals in one family (PMID: 36977837). This variant has also been reported in multiple individuals in one family affected with aortic aneurysm (PMID: 2243125). This variant has not been identified in the general population by the Genome Aggregation Database (gnomAD). Based on the available evidence, this variant is classified as Pathogenic.

All of Us Research Program, National Institutes of Health
Classification: Likely pathogenic for Ehlers-Danlos syndrome, type 4. Last evaluated: 2024-09-24. Review status: criteria provided, single submitter. Criteria: ACMG Guidelines, 2015. Collection method: clinical testing. Allele origin: germline. Inheritance: Autosomal dominant inheritance. Observed: 1 variant allele, 1 heterozygote.
Comment: The c.2356G>A (p.Gly786Arg) variant in COL3A1 gene that encodes for collagen type III alpha 1 chain, has been reported in at least eight individuals affected with vascular Ehlers-Danlos syndrome (vEDS) or other COL3A1-related phenotypes (PMID: 18043893, 24399159, 24650746, 30474650, 31126764, 36189931, 36977837, 37655064). This variant affects a conserved glycine residue changes to which are significantly enriched in individuals with COL3A1-related conditions (PMID: 24922459, 25758994). Glycine residues within the Gly-X-Y repeats of the triple helix domain are required for the structure and stability of fibrillar collagens (PMID: 7695699, 8218237, 19344236). Computational prediction tools suggest that this variant may have deleterious effect on the protein function (REVEL score: 0.995). This variant is absent in the general population database gnomAD (v4.1.0), and interpreted as likely pathogenic/pathogenic by multiple submitters in ClinVar database (ClinVar ID: 17200). Another variant affecting the same amino acid residue, p.Gly786Val has been reported in two individuals with vEDS (PMID: 30474650) and classified as pathogenic by single submitter in ClinVar (ID: 101274). Therefore, the c.2356G>A (p.Gly786Arg) variant in COL3A1 gene is classified as likely pathogenic.

This study involves interpretation of variants in research participants for the purpose of population health screening. Participant phenotype was not available at the time of variant classification. Additional details can be found in publication PMID: 35346344, PMCID: PMC8962531

GeneDx
Classification: Pathogenic. Last evaluated: 2024-03-04. Review status: criteria provided, single submitter. Criteria: GeneDx Variant Classification Process June 2021. Collection method: clinical testing. Allele origin: germline. Affected: yes.
Comment: Not observed at significant frequency in large population cohorts (gnomAD); In silico analysis supports that this missense variant has a deleterious effect on protein structure/function; Occurs in the triple helical domain and replaces the glycine in the canonical Gly-X-Y repeat; missense substitution of a canonical glycine residue is expected to disrupt normal protein folding and function, and this is an established mechanism of disease (HGMD); Also known as p.(G619R); This variant is associated with the following publications: (PMID: 18043893, 25525159, 2243125, 30474650, 31126764, 24650746, 24399159, 9036918, 10706896)

NM_000090.4(COL3A1):c.2356G>A (p.Gly786Arg)

Genes: COL3A1 (collagen type III alpha 1 chain; plus strand), LOC126806446 (P300/CBP strongly-dependent group 1 enhancer GRCh37_chr2:189866210-189867409; plus strand). Cytogenetic location: 2q32.2.
Variant type: single nucleotide variant.
Coding change: c.2356G>A on transcript NM_000090.4 (MANE Select); coding-DNA position 2356, G replaced by A.
Protein change: p.Gly786Arg; replaces glycine 786 with arginine.
Molecular consequence: missense variant.
Genome position (GRCh38, 1-based): chr2:189,001,554, G>A. VCF-style: chr2-189001554-G-A. GRCh37 (hg19) VCF-style: chr2-189866280-G-A.
Other names: G619R.
Identifiers: ClinVar variation 17200 (VCV000017200.62), dbSNP rs113485686, ClinGen allele CA005350.
Genomic context (GRCh38, chr2:189,001,554, plus strand): 5'-TCTTTTGGATGCAAGACAGTGACATGGCTTCTCTTTTTCCAGGGTGAAGGTGGTGCCCCC[G>A]GACTTCCAGGTATAGCTGGACCTCGTGGTAGCCCTGTAAGTGTTAAAGACATTCTCAACA-3'
Protein context (NP_000081.2, residues 776-796): PGDKGEGGAP[Gly786Arg]LPGIAGPRGS